The following is an entry in ClinVar:

ClinVar aggregate classification (germline): Uncertain significance (1 of 4 stars; one submission).

Conditions:
Familial thoracic aortic aneurysm and aortic dissection (TAAD). Also called: Thoracic aortic aneurysms and dissections. Identifiers: Orphanet 91387, MedGen C4707243, MONDO:0019625.

Submission:

Labcorp Genetics (formerly Invitae), Labcorp
Classification: Uncertain significance for Familial thoracic aortic aneurysm and aortic dissection. Last evaluated: 2022-07-25. Review status: criteria provided, single submitter. Criteria: Invitae Variant Classification Sherloc (09022015). Collection method: clinical testing. Allele origin: germline.
Comment: In summary, the available evidence is currently insufficient to determine the role of this variant in disease. Therefore, it has been classified as a Variant of Uncertain Significance. Advanced modeling of protein sequence and biophysical properties (such as structural, functional, and spatial information, amino acid conservation, physicochemical variation, residue mobility, and thermodynamic stability) performed at Invitae indicates that this missense variant is not expected to disrupt SMAD3 protein function. ClinVar contains an entry for this variant (Variation ID: 1041564). This variant has not been reported in the literature in individuals affected with SMAD3-related conditions. This variant is not present in population databases (gnomAD no frequency). This sequence change replaces threonine, which is neutral and polar, with asparagine, which is neutral and polar, at codon 371 of the SMAD3 protein (p.Thr371Asn).

NM_005902.4(SMAD3):c.1112C>A (p.Thr371Asn)

Gene: SMAD3 (SMAD family member 3; plus strand). Cytogenetic location: 15q22.33.
Variant type: single nucleotide variant.
Coding change: c.1112C>A on transcript NM_005902.4 (MANE Select); coding-DNA position 1112, C replaced by A.
Protein change: p.Thr371Asn; replaces threonine 371 with asparagine.
Molecular consequence: missense variant.
Genome position (GRCh38, 1-based): chr15:67,187,467, C>A. VCF-style: chr15-67187467-C-A. GRCh37 (hg19) VCF-style: chr15-67479805-C-A.
Other names: c.797C>A, p.Thr266Asn (NM_001145102.2); c.980C>A, p.Thr327Asn (NM_001145103.2); c.527C>A, p.Thr176Asn (NM_001145104.2); short protein forms T176N, T371N, T266N, T327N.
Identifiers: ClinVar variation 1041564 (VCV001041564.10), dbSNP rs1963251370, ClinGen allele CA392958277.